The following is an entry in ClinVar:

ClinVar aggregate classification (germline): Uncertain significance (1 of 4 stars; one submission).

Submission:

Dasa
Classification: Uncertain significance. Last evaluated: 2024-06-30. Review status: criteria provided, single submitter. Criteria: DASA Assertion Criteria. Collection method: clinical testing. Allele origin: germline.
Comment: NM_007129.5(ZIC2):c.1137C>G (p.Asp379Glu) is a missense variant that results in the substitution of aspartic acid with glutamic acid. This variant is rare in population databases. Computational prediction algorithms are consistent with a benign effect. The currently available literature and clinical evidence are not sufficient to establish a definitive association between this variant and the reported condition. Therefore, this variant is classified as a variant of uncertain significance.

NM_007129.5(ZIC2):c.1137C>G (p.Asp379Glu)

Gene: ZIC2 (Zic family zinc finger 2; plus strand). Cytogenetic location: 13q32.3.
Variant type: single nucleotide variant.
Coding change: c.1137C>G on transcript NM_007129.5 (MANE Select); coding-DNA position 1137, C replaced by G.
Protein change: p.Asp379Glu; replaces aspartic acid 379 with glutamic acid.
Molecular consequence: missense variant.
Genome position (GRCh38, 1-based): chr13:99,985,007, C>G. VCF-style: chr13-99985007-C-G. GRCh37 (hg19) VCF-style: chr13-100637261-C-G.
Other names: short protein forms D379E.
Identifiers: ClinVar variation 4882932 (VCV004882932.2).